The following is an entry in ClinVar:

NM_004006.3(DMD):c.8960C>T (p.Pro2987Leu)

Gene: DMD (dystrophin; minus strand). Cytogenetic location: Xp21.2.
Variant type: single nucleotide variant.
Coding change: c.8960C>T on transcript NM_004006.3 (MANE Select); coding-DNA position 8960, C replaced by T.
Protein change: p.Pro2987Leu; replaces proline 2987 with leucine.
Molecular consequence: missense variant.
Genome position (GRCh38, 1-based): chrX:31,444,605, G>A on the plus strand (C>T on the coding strand, the complement: DMD is on the minus strand). VCF-style: chrX-31444605-G-A. GRCh37 (hg19) VCF-style: chrX-31462722-G-A.
Other names: c.8936C>T, p.Pro2979Leu (NM_000109.4); c.8948C>T, p.Pro2983Leu (NM_004009.3); c.8591C>T, p.Pro2864Leu (NM_004010.3); c.4937C>T, p.Pro1646Leu (NM_004011.4); c.4928C>T, p.Pro1643Leu (NM_004012.4); c.1580C>T, p.Pro527Leu (NM_004013.3, NM_004020.4, NM_004021.3 and 2 more transcripts); c.773C>T, p.Pro258Leu (NM_004014.3); short protein forms P1643L, P1646L, P258L, P2864L, P2979L, P2983L, P2987L, P527L.
Identifiers: ClinVar variation 1063798 (VCV001063798.10), dbSNP rs2149075905, ClinGen allele CA412655292.

ClinVar aggregate classification (germline): Uncertain significance. Review status: criteria provided, single submitter (1 of 4 stars). 2 submissions from 2 submitters: Uncertain significance (1). 1 of the submissions does not count toward it. Last evaluated 2024-07-11.

Conditions:
Cardiomyopathy (CMYO). Also called: Cardiomyopathies. Identifiers: Orphanet 167848, MedGen C0878544, MONDO:0004994, HP:0001638. Inheritance: Various modes of inheritance.
Dystrophin deficiency.
Duchenne muscular dystrophy (DMD). Also called: MUSCULAR DYSTROPHY, PSEUDOHYPERTROPHIC PROGRESSIVE, DUCHENNE TYPE; Duchenne Muscular Dystrophy (DMD). Identifiers: Orphanet 98896, MedGen C0013264, MONDO:0010679, OMIM 310200.
Becker muscular dystrophy (BMD). Also called: Becker Muscular Dystrophy (BMD); MUSCULAR DYSTROPHY, PSEUDOHYPERTROPHIC PROGRESSIVE, BECKER TYPE. Identifiers: Orphanet 98895, MedGen C0917713, MONDO:0010311, OMIM 300376.

Submissions (2):

Labcorp Genetics (formerly Invitae), Labcorp
Classification: Uncertain significance for Duchenne muscular dystrophy. Last evaluated: 2024-07-11. Review status: criteria provided, single submitter. Criteria: Invitae Variant Classification Sherloc (09022015). Collection method: clinical testing. Allele origin: germline.
Comment: This sequence change replaces proline, which is neutral and non-polar, with leucine, which is neutral and non-polar, at codon 2987 of the DMD protein (p.Pro2987Leu). This variant is not present in population databases (gnomAD no frequency). This variant has not been reported in the literature in individuals affected with DMD-related conditions. ClinVar contains an entry for this variant (Variation ID: 1063798). Advanced modeling of protein sequence and biophysical properties (such as structural, functional, and spatial information, amino acid conservation, physicochemical variation, residue mobility, and thermodynamic stability) performed at Invitae indicates that this missense variant is not expected to disrupt DMD protein function with a negative predictive value of 95%. In summary, the available evidence is currently insufficient to determine the role of this variant in disease. Therefore, it has been classified as a Variant of Uncertain Significance.

Natera, Inc.
Classification: Uncertain significance for Becker muscular dystrophy; Cardiomyopathy; Duchenne muscular dystrophy; Dystrophin deficiency. Last evaluated: 2019-01-02. Review status: no assertion criteria provided. Collection method: clinical testing. Allele origin: germline. Not counted in ClinVar's aggregate classification.